The following is an entry in ClinVar:

NM_005120.3(MED12):c.2900C>G (p.Ala967Gly)

Gene: MED12 (mediator complex subunit 12; plus strand). Cytogenetic location: Xq13.1.
Variant type: single nucleotide variant.
Coding change: c.2900C>G on transcript NM_005120.3 (MANE Select); coding-DNA position 2900, C replaced by G.
Protein change: p.Ala967Gly; replaces alanine 967 with glycine.
Molecular consequence: missense variant.
Genome position (GRCh38, 1-based): chrX:71,127,386, C>G. VCF-style: chrX-71127386-C-G. GRCh37 (hg19) VCF-style: chrX-70347236-C-G.
Other names: short protein forms A967G.
Identifiers: ClinVar variation 3765922 (VCV003765922.1).
Genomic context (GRCh38, chrX:71,127,386, plus strand): 5'-CTTCATGCAGGCTGTGTGGCGTCGTGAAGCATGGGATGAACCGGTCCGATGGCTCCTCTG[C>G]AGAGCGCTGTATCCTTGCTTATCTCTATGATCTGTACACCTCCTGTAGCCATTTAAAGAA-3'
Protein context (NP_005111.2, residues 957-977): HGMNRSDGSS[Ala967Gly]ERCILAYLYD

ClinVar aggregate classification (germline): Uncertain significance (1 of 4 stars; one submission).

Submission:

GeneDx
Classification: Uncertain significance. Last evaluated: 2024-09-03. Review status: criteria provided, single submitter. Criteria: GeneDx Variant Classification Process June 2021. Collection method: clinical testing. Allele origin: germline. Affected: yes.
Comment: Not observed at significant frequency in large population cohorts (gnomAD); In silico analysis supports that this missense variant has a deleterious effect on protein structure/function; Has not been previously published as pathogenic or benign to our knowledge